The following is an entry in ClinVar:

NM_015629.4(PRPF31):c.535delinsGG (p.Leu179fs)

Gene: PRPF31 (pre-mRNA processing factor 31; plus strand). Cytogenetic location: 19q13.42.
Variant type: Indel.
Coding change: c.535delinsGG on transcript NM_015629.4 (MANE Select); coding-DNA position 535, C replaced by GG.
Protein change: p.Leu179fs; shifts the reading frame from leucine 179.
Molecular consequence: frameshift variant.
Genome position (GRCh38, 1-based): chr19:54,123,756, C replaced by GG. VCF-style: chr19-54123756-C-GG. GRCh37 (hg19) VCF-style: chr19-54627135-C-GG.
Other names: short protein forms L179fs.
Identifiers: ClinVar variation 1297103 (VCV001297103.2), dbSNP rs2146420485, ClinGen allele CA2499225591.

ClinVar aggregate classification (germline): Likely pathogenic (1 of 4 stars; one submission).

Conditions:
Retinitis pigmentosa (RP). Identifiers: Orphanet 791, MedGen C0035334, MeSH D012174, MONDO:0019200, OMIM 268000. Inheritance: Autosomal dominant, autosomal recessive and X linked inheritance.

Submission:

Broad Center for Mendelian Genomics, Broad Institute of MIT and Harvard
Classification: Likely pathogenic for Retinitis pigmentosa. Last evaluated: 2021-04-01. Review status: criteria provided, single submitter. Criteria: ACMG Guidelines, 2015. Collection method: curation. Allele origin: germline. Inheritance: Autosomal dominant inheritance. Affected: yes.
Comment: Through a review of available evidence we were able to apply the following criteria: PVS1, PM2. Based on this evidence we have classified this variant as Likely Pathogenic. If you have any questions about the classification please reach out to the Pierce Lab.

Literature cited by the submitters: PubMed 34906470.